The following is an entry in ClinVar:

ClinVar aggregate classification (germline): Uncertain significance. Review status: criteria provided, multiple submitters, no conflicts (2 of 4 stars). 2 submissions from 2 submitters: Uncertain significance (2). Last evaluated 2024-01-03.

Conditions:
Tuberous sclerosis 2 (TSC2). Identifiers: Orphanet 805, MedGen C1860707, MONDO:0013199, OMIM 613254.
Tuberous sclerosis syndrome (TSC). Also called: Tuberous sclerosis; Tuberous Sclerosis Complex. Identifiers: Orphanet 805, MedGen C0041341, MONDO:0001734.

gnomAD v4.1: 1 of 1,612,870 alleles (0.000062%); highest among the groups gnomAD compares: Non-Finnish European, 0.000085%; no homozygotes.

Submissions (2):

Labcorp Genetics (formerly Invitae), Labcorp
Classification: Uncertain significance for Tuberous sclerosis 2. Last evaluated: 2024-01-03. Review status: criteria provided, single submitter. Criteria: Invitae Variant Classification Sherloc (09022015). Collection method: clinical testing. Allele origin: germline.
Comment: This sequence change replaces asparagine, which is neutral and polar, with serine, which is neutral and polar, at codon 1037 of the TSC2 protein (p.Asn1037Ser). This variant is not present in population databases (gnomAD no frequency). This variant has not been reported in the literature in individuals affected with TSC2-related conditions. Advanced modeling of protein sequence and biophysical properties (such as structural, functional, and spatial information, amino acid conservation, physicochemical variation, residue mobility, and thermodynamic stability) performed at Invitae indicates that this missense variant is not expected to disrupt TSC2 protein function with a negative predictive value of 95%. In summary, the available evidence is currently insufficient to determine the role of this variant in disease. Therefore, it has been classified as a Variant of Uncertain Significance.

All of Us Research Program, National Institutes of Health
Classification: Uncertain significance for Tuberous sclerosis syndrome. Last evaluated: 2023-06-26. Review status: criteria provided, single submitter. Criteria: ACMG Guidelines, 2015. Collection method: clinical testing. Allele origin: germline. Inheritance: Autosomal dominant inheritance. Observed: 1 variant allele, 1 heterozygote.
Comment: This missense variant replaces asparagine with serine at codon 1037 of the TSC2 protein. Computational prediction is inconclusive regarding the impact of this variant on protein structure and function (internally defined REVEL score threshold 0.5 < inconclusive < 0.7, PMID: 27666373). To our knowledge, functional studies have not been reported for this variant. This variant has not been reported in individuals affected with tuberous sclerosis complex in the literature. This variant has not been identified in the general population by the Genome Aggregation Database (gnomAD). The available evidence is insufficient to determine the role of this variant in disease conclusively. Therefore, this variant is classified as a Variant of Uncertain Significance.

This study involves interpretation of variants in research participants for the purpose of population health screening. Participant phenotype was not available at the time of variant classification. Additional details can be found in publication PMID: 35346344, PMCID: PMC8962531

NM_000548.5(TSC2):c.3110A>G (p.Asn1037Ser)

Gene: TSC2 (TSC complex subunit 2; plus strand). Cytogenetic location: 16p13.3.
Variant type: single nucleotide variant.
Coding change: c.3110A>G on transcript NM_000548.5 (MANE Select); coding-DNA position 3110, A replaced by G.
Protein change: p.Asn1037Ser; replaces asparagine 1037 with serine.
Molecular consequence: missense variant. On other transcripts: non-coding transcript variant (5).
Genome position (GRCh38, 1-based): chr16:2,079,175, A>G. VCF-style: chr16-2079175-A-G. GRCh37 (hg19) VCF-style: chr16-2129176-A-G.
Other names: c.2510A>G, p.Asn837Ser (NM_001406680.1, NM_001406682.1, NM_001406683.1); c.2519A>G, p.Asn840Ser (NM_001406681.1); c.2507A>G, p.Asn836Ser (NM_001406684.1); c.2381A>G, p.Asn794Ser (NM_001406685.1, NM_001406686.1); c.2378A>G, p.Asn793Ser (NM_001406687.1, NM_001406688.1, NM_001318831.2); c.1766A>G, p.Asn589Ser (NM_001406689.1); c.2978A>G, p.Asn993Ser (NM_001077183.3, NM_001370404.1, NM_001406665.1); c.3110A>G, p.Asn1037Ser (NM_001114382.3); and 18 more; short protein forms N1037S, N546S, N793S, N794S, N956S, N1023S, N545S, N589S.
Identifiers: ClinVar variation 2964482 (VCV002964482.4), dbSNP rs2089806008, ClinGen allele CA394284841.
Genomic context (GRCh38, chr16:2,079,175, plus strand): 5'-ACCTCCACCTGGAGCTCACGGAAACCTGTCTGGACATGATGGCTCGATACGTCTTCTCCA[A>G]CTTCACGGCTGTCCCGAAGAGGTCCAGGCGGCACTACAGGGCTGGGCGGGCCTGCGGGAG-3'
Protein context (NP_000539.2, residues 1027-1047): LDMMARYVFS[Asn1037Ser]FTAVPKRSPV